The following is an entry in ClinVar:

NM_001367624.2(ZNF469):c.4615G>C (p.Ala1539Pro)

Gene: ZNF469 (zinc finger protein 469; plus strand). Cytogenetic location: 16q24.2.
Variant type: single nucleotide variant.
Coding change: c.4615G>C on transcript NM_001367624.2 (MANE Select); coding-DNA position 4615, G replaced by C.
Protein change: p.Ala1539Pro; replaces alanine 1539 with proline.
Molecular consequence: missense variant.
Genome position (GRCh38, 1-based): chr16:88,432,085, G>C. VCF-style: chr16-88432085-G-C. GRCh37 (hg19) VCF-style: chr16-88498493-G-C.
Other names: short protein forms A1539P.
Identifiers: ClinVar variation 3615107 (VCV003615107.2).

ClinVar aggregate classification (germline): Uncertain significance (1 of 4 stars; one submission).

Submission:

Labcorp Genetics (formerly Invitae), Labcorp
Classification: Uncertain significance. Last evaluated: 2024-09-19. Review status: criteria provided, single submitter. Criteria: Invitae Variant Classification Sherloc (09022015). Collection method: clinical testing. Allele origin: germline.
Comment: This sequence change replaces alanine, which is neutral and non-polar, with proline, which is neutral and non-polar, at codon 1511 of the ZNF469 protein (p.Ala1511Pro). This variant is not present in population databases (gnomAD no frequency). This variant has not been reported in the literature in individuals affected with ZNF469-related conditions. An algorithm developed to predict the effect of missense changes on protein structure and function outputs the following: PolyPhen-2: "Benign". The proline amino acid residue is found in multiple mammalian species, which suggests that this missense change does not adversely affect protein function. In summary, the available evidence is currently insufficient to determine the role of this variant in disease. Therefore, it has been classified as a Variant of Uncertain Significance.